The following is an entry in ClinVar:

NM_000875.5(IGF1R):c.3868C>G (p.Pro1290Ala)

Gene: IGF1R (insulin like growth factor 1 receptor; plus strand). Cytogenetic location: 15q26.3.
Variant type: single nucleotide variant.
Coding change: c.3868C>G on transcript NM_000875.5 (MANE Select); coding-DNA position 3868, C replaced by G.
Protein change: p.Pro1290Ala; replaces proline 1290 with alanine.
Molecular consequence: missense variant.
Genome position (GRCh38, 1-based): chr15:98,957,206, C>G. VCF-style: chr15-98957206-C-G. GRCh37 (hg19) VCF-style: chr15-99500435-C-G.
Other names: c.3865C>G, p.Pro1289Ala (NM_001291858.2); short protein forms P1290A, P1289A.
Identifiers: ClinVar variation 2079280 (VCV002079280.1), dbSNP rs2017029053, ClinGen allele CA393668758.
Genomic context (GRCh38, chr15:98,957,206, plus strand): 5'-ATGGAGCCTGGCTTCCGGGAGGTCTCCTTCTACTACAGCGAGGAGAACAAGCTGCCCGAG[C>G]CGGAGGAGCTGGACCTGGAGCCAGAGAACATGGAGAGCGTCCCCCTGGACCCCTCGGCCT-3'
Protein context (NP_000866.1, residues 1280-1300): YYSEENKLPE[Pro1290Ala]EELDLEPENM

ClinVar aggregate classification (germline): Uncertain significance (1 of 4 stars; one submission).

Allele frequency attached by ClinVar (database versions not stated): TOPMed below 0.00001.
gnomAD v4.1: 1 of 1,614,224 alleles (0.000062%); no homozygotes.

Submission:

Labcorp Genetics (formerly Invitae), Labcorp
Classification: Uncertain significance. Last evaluated: 2022-09-09. Review status: criteria provided, single submitter. Criteria: Invitae Variant Classification Sherloc (09022015). Collection method: clinical testing. Allele origin: germline.
Comment: This sequence change replaces proline, which is neutral and non-polar, with alanine, which is neutral and non-polar, at codon 1290 of the IGF1R protein (p.Pro1290Ala). This variant is not present in population databases (gnomAD no frequency). This variant has not been reported in the literature in individuals affected with IGF1R-related conditions. Advanced modeling of protein sequence and biophysical properties (such as structural, functional, and spatial information, amino acid conservation, physicochemical variation, residue mobility, and thermodynamic stability) performed at Invitae indicates that this missense variant is not expected to disrupt IGF1R protein function. In summary, the available evidence is currently insufficient to determine the role of this variant in disease. Therefore, it has been classified as a Variant of Uncertain Significance.